The following is an entry in ClinVar:

ClinVar aggregate classification (germline): Pathogenic/Likely pathogenic. Review status: criteria provided, multiple submitters, no conflicts (2 of 4 stars). 5 submissions from 5 submitters: Pathogenic (2); Likely pathogenic (2). 1 of the submissions does not count toward it. Last evaluated 2023-08-07.

Conditions:
PURA-related severe neonatal hypotonia-seizures-encephalopathy syndrome (NEDRIHF). Also called: NEURODEVELOPMENTAL DISORDER WITH NEONATAL RESPIRATORY INSUFFICIENCY, HYPOTONIA, AND FEEDING DIFFICULTIES; PURA-Related Neurodevelopmental Disorders. Identifiers: Orphanet 438213, Orphanet 438216, MedGen C4015357, MONDO:1060108, OMIM 616158, MONDO:0018580.
Inborn genetic diseases. Identifiers: MedGen C0950123, MeSH D030342.

Submissions (5):

Institute of Medical Genetics and Applied Genomics, University Hospital Tübingen
Classification: Pathogenic for PURA-related severe neonatal hypotonia-seizures-encephalopathy syndrome. Last evaluated: 2023-08-07. Review status: criteria provided, single submitter. Criteria: ACMG Guidelines, 2015. Collection method: clinical testing. Allele origin: germline. Inheritance: Autosomal dominant inheritance. Affected: yes.

Mendelics
Classification: Pathogenic for PURA-related severe neonatal hypotonia-seizures-encephalopathy syndrome. Last evaluated: 2022-05-04. Review status: criteria provided, single submitter. Criteria: Mendelics Assertion Criteria 2019. Collection method: clinical testing. Allele origin: germline.

Labcorp Genetics (formerly Invitae), Labcorp
Classification: Likely pathogenic for PURA-related severe neonatal hypotonia-seizures-encephalopathy syndrome. Last evaluated: 2021-12-02. Review status: criteria provided, single submitter. Criteria: Invitae Variant Classification Sherloc (09022015). Collection method: clinical testing. Allele origin: germline.
Comment: This sequence change replaces isoleucine, which is neutral and non-polar, with threonine, which is neutral and polar, at codon 188 of the PURA protein (p.Ile188Thr). This variant is not present in population databases (gnomAD no frequency). This missense change has been observed in individual(s) with PURA syndrome (PMID: 27148565). In at least one individual the variant was observed to be de novo. ClinVar contains an entry for this variant (Variation ID: 192334). Algorithms developed to predict the effect of missense changes on protein structure and function are either unavailable or do not agree on the potential impact of this missense change (SIFT: "Deleterious"; PolyPhen-2: "Probably Damaging"; Align-GVGD: "Class C0"). In summary, the currently available evidence indicates that the variant is pathogenic, but additional data are needed to prove that conclusively. Therefore, this variant has been classified as Likely Pathogenic.

Ambry Genetics
Classification: Likely pathogenic for Inborn genetic diseases. Last evaluated: 2016-11-22. Review status: criteria provided, single submitter. Criteria: Ambry exome assertion method (8-5-2015). Collection method: clinical testing. Allele origin: germline. Affected: yes. Observed: 1 variant allele.

OMIM
Classification: Pathogenic for NEURODEVELOPMENTAL DISORDER WITH NEONATAL RESPIRATORY INSUFFICIENCY, HYPOTONIA, AND FEEDING DIFFICULTIES. Last evaluated: 2021-08-17. Review status: no assertion criteria provided. Collection method: literature only. Allele origin: germline. Not counted in ClinVar's aggregate classification.

Literature cited by the submitters: PubMed 27148565 (cited by Labcorp Genetics (formerly Invitae), Labcorp and OMIM).

NM_005859.5(PURA):c.563T>C (p.Ile188Thr)

Gene: PURA (purine rich element binding protein A; plus strand). Cytogenetic location: 5q31.3.
Variant type: single nucleotide variant.
Coding change: c.563T>C on transcript NM_005859.5 (MANE Select); coding-DNA position 563, T replaced by C.
Protein change: p.Ile188Thr; replaces isoleucine 188 with threonine.
Molecular consequence: missense variant.
Genome position (GRCh38, 1-based): chr5:140,114,744, T>C. VCF-style: chr5-140114744-T-C. GRCh37 (hg19) VCF-style: chr5-139494329-T-C.
Other names: short protein forms I188T.
Identifiers: ClinVar variation 192334 (VCV000192334.14), dbSNP rs793888527, ClinGen allele CA090963.
Genomic context (GRCh38, chr5:140,114,744, plus strand): 5'-TGCGCATCCGCCAGACGGTCAACCGGGGGCCTGGCCTGGGCTCCACGCAGGGCCAGACCA[T>C]TGCGCTGCCCGCGCAGGGGCTCATCGAGTTCCGTGACGCTCTGGCCAAGCTCATCGACGA-3'
Protein context (NP_005850.1, residues 178-198): PGLGSTQGQT[Ile188Thr]ALPAQGLIEF